The following is an entry in ClinVar:

NM_014491.4(FOXP2):c.*1969T>A

Gene: FOXP2 (forkhead box P2; plus strand). Cytogenetic location: 7q31.1.
Variant type: single nucleotide variant.
Coding change: c.*1969T>A on transcript NM_014491.4 (MANE Select); 1969 bases downstream of the stop codon, T replaced by A.
Molecular consequence: 3 prime UTR variant. On other transcripts: non-coding transcript variant (2).
Genome position (GRCh38, 1-based): chr7:114,691,895, T>A. VCF-style: chr7-114691895-T-A. GRCh37 (hg19) VCF-style: chr7-114331950-T-A.
Other names: c.*1969T>A (NM_001172766.3, NM_148898.4, NM_148900.4).
Identifiers: ClinVar variation 358645 (VCV000358645.5), dbSNP rs771063685, ClinGen allele CA4446433.
Genomic context (GRCh38, chr7:114,691,895, plus strand): 5'-CCCAGTCATCTATCACACCAAATAAAAGGACATAACGGCTTTCAAAAGGGTTTTCCCACT[T>A]ACCCAAAAGGCTTTCTGAAAGCTTCTACCTCTGCAAAAAAAAAAAAAGAAAAAAAAAAAA-3'

ClinVar aggregate classification (germline): Benign (1 of 4 stars; one submission).

Conditions:
Childhood apraxia of speech (SPCH1). Also called: DEVELOPMENTAL VERBAL DYSPRAXIA; Speech language disorder; FOXP2-Related Speech and Language Disorder; SPEECH AND LANGUAGE DISORDER WITH OROFACIAL DYSPRAXIA. Identifiers: Orphanet 209908, MedGen C0750927, MONDO:0011184, OMIM 602081.

Allele frequency attached by ClinVar (database versions not stated): gnomAD 0.00011; 1000 Genomes Project 30x 0.00016; gnomAD exomes 0.00018 and 0.00033; ExAC 0.00065.
gnomAD v4.1: 74 of 440,728 alleles (0.017%); highest among the groups gnomAD compares: Non-Finnish European, 0.0071%; no homozygotes.

Submission:

Illumina Laboratory Services, Illumina
Classification: Benign for Childhood apraxia of speech. Last evaluated: 2018-01-13. Review status: criteria provided, single submitter. Criteria: ICSL Variant Classification Criteria 13 December 2019. Collection method: clinical testing. Allele origin: germline.
Comment: This variant was observed in the ICSL laboratory as part of a predisposition screen in an ostensibly healthy population. It had not been previously curated by ICSL or reported in the Human Gene Mutation Database (HGMD: prior to June 1st, 2018), and was therefore a candidate for classification through an automated scoring system. Utilizing variant allele frequency, disease prevalence and penetrance estimates, and inheritance mode, an automated score was calculated to assess if this variant is too frequent to cause the disease. Based on the score and internal cut-off values, a variant classified as benign is not then subjected to further curation. The score for this variant resulted in a classification of benign for this disease.